The following is an entry in ClinVar:

NM_001242896.3(DEPDC5):c.232del (p.Arg78fs)

Gene: DEPDC5 (DEP domain containing 5, GATOR1 subcomplex subunit; plus strand). Cytogenetic location: 22q12.2.
Variant type: Deletion.
Coding change: c.232del on transcript NM_001242896.3 (MANE Select); coding-DNA position 232, one base deleted (C; older notation c.232delC).
Protein change: p.Arg78fs; shifts the reading frame from arginine 78.
Molecular consequence: frameshift variant. On other transcripts: non-coding transcript variant (5).
Genome position (GRCh38, 1-based): chr22:31,765,013, C deleted; the last of 2 consecutive C bases (chr22:31,765,012-31,765,013); deleting either gives the same sequence. VCF-style (leftmost placement, unchanged base first): chr22-31765011-TC-T. GRCh37 (hg19) VCF-style: chr22-32160997-TC-T.
Other names: c.232del, p.Arg78fs (NM_001007188.4, NM_001136029.4, NM_001242897.2 and 9 more transcripts); short protein forms R78fs.
Identifiers: ClinVar variation 871543 (VCV000871543.50), dbSNP rs2082695884, ClinGen allele CA1139667068.
Genomic context (GRCh38, chr22:31,765,011, plus strand): 5'-AGCCAGATATTGTTTCTGTTTTAGAAACTATCAGTGTGGACCAGACTGTGACTCAAGTGT[TC>T]CGGCTGAGACCTTATCAGGATGTCTATGTTAATGTCGTAGACCCTAAGGTATGTCTTTGT-3'

ClinVar aggregate classification (germline): Pathogenic/Likely pathogenic. Review status: criteria provided, multiple submitters, no conflicts (2 of 4 stars). 4 submissions from 4 submitters: Pathogenic (3); Likely pathogenic (1). Last evaluated 2023-05-09.

Conditions:
Familial focal epilepsy with variable foci (FPEVF). Identifiers: Orphanet 98820, MedGen C1858477, MONDO:0020310.
DEPDC5-related disorder. Also called: DEPDC5-related condition; DEPDC5-related related disorder.
Seizure. Also called: Seizures. Identifiers: MedGen C0036572, HP:0001250.

Submissions (4):

Blueprint Genetics
Classification: Pathogenic for DEPDC5-related disorders. Last evaluated: 2023-05-09. Review status: criteria provided, single submitter. Criteria: ACMG Guidelines, 2015. Collection method: clinical testing. Allele origin: germline. Affected: yes. Observed: 2 variant alleles.

Labcorp Genetics (formerly Invitae), Labcorp
Classification: Pathogenic for Familial focal epilepsy with variable foci. Last evaluated: 2023-02-10. Review status: criteria provided, single submitter. Criteria: Invitae Variant Classification Sherloc (09022015). Collection method: clinical testing. Allele origin: germline.
Comment: This sequence change creates a premature translational stop signal (p.Arg78Glyfs*2) in the DEPDC5 gene. It is expected to result in an absent or disrupted protein product. Loss-of-function variants in DEPDC5 are known to be pathogenic (PMID: 23542697, 23542701). For these reasons, this variant has been classified as Pathogenic. ClinVar contains an entry for this variant (Variation ID: 871543). This premature translational stop signal has been observed in individuals with nocturnal frontal lobe epilepsy or familial focal epilepsy with variable foci (PMID: 30093711). This variant is not present in population databases (gnomAD no frequency).

CeGaT Center for Human Genetics Tuebingen
Classification: Pathogenic. Last evaluated: 2019-07-01. Review status: criteria provided, single submitter. Criteria: CeGaT Center For Human Genetics Tuebingen Variant Classification Criteria Version 2. Collection method: clinical testing. Allele origin: germline. Affected: yes. Observed: 2 variant alleles.

Equipe Genetique des Anomalies du Developpement, Université de Bourgogne
Classification: Likely pathogenic for Seizure. Review status: criteria provided, single submitter. Criteria: ACMG Guidelines, 2015. Collection method: research. Allele origin: unknown. Affected: yes.

Literature cited by the submitters: PubMed 23542697 (cited by Labcorp Genetics (formerly Invitae), Labcorp); PubMed 23542701 (cited by Labcorp Genetics (formerly Invitae), Labcorp); PubMed 30093711 (cited by Labcorp Genetics (formerly Invitae), Labcorp).